The following is an entry in ClinVar:

ClinVar aggregate classification (germline): Pathogenic (1 of 4 stars; one submission).

Conditions:
Macrothrombocytopenia and granulocyte inclusions with or without nephritis or sensorineural hearing loss (MATINS). Also called: BLEEDING DISORDER, PLATELET-TYPE, 6; MAY-HEGGLIN ANOMALY; DOHLE LEUKOCYTE INCLUSIONS WITH GIANT PLATELETS; SEBASTIAN PLATELET SYNDROME; MACROTHROMBOCYTOPENIA WITH DISPERSED LEUKOCYTIC INCLUSIONS; MACROTHROMBOCYTOPENIA, NEPHRITIS, AND DEAFNESS. Identifiers: Orphanet 182050, MedGen C5200934, MONDO:0015912, OMIM 155100.

Submission:

MVZ Medizinische Genetik Mainz
Classification: Pathogenic for Macrothrombocytopenia and granulocyte inclusions with or without nephritis or sensorineural hearing loss. Last evaluated: 2023-05-24. Review status: criteria provided, single submitter. Criteria: UK Practice Guidelines For Variant Classification V4 01 2020. Collection method: clinical testing. Allele origin: germline. Inheritance: Autosomal dominant inheritance. Affected: yes. Observed: 1 variant allele.
Comment: ACMG Criteria: PP3_STR,PM1,PM5,PM2_SUP,PP4

NM_002473.6(MYH9):c.4271A>C (p.Asp1424Ala)

Gene: MYH9 (myosin heavy chain 9; minus strand). Cytogenetic location: 22q12.3.
Variant type: single nucleotide variant.
Coding change: c.4271A>C on transcript NM_002473.6 (MANE Select); coding-DNA position 4271, A replaced by C.
Protein change: p.Asp1424Ala; replaces aspartic acid 1424 with alanine.
Molecular consequence: missense variant.
Genome position (GRCh38, 1-based): chr22:36,292,059, T>G on the plus strand (A>C on the coding strand, the complement: MYH9 is on the minus strand). VCF-style: chr22-36292059-T-G. GRCh37 (hg19) VCF-style: chr22-36688105-T-G.
Other names: short protein forms D1424A.
Identifiers: ClinVar variation 3068367 (VCV003068367.1), dbSNP rs867593888, ClinGen allele CA411382342.